The following is an entry in ClinVar:

ClinVar aggregate classification (germline): Uncertain significance. Review status: criteria provided, multiple submitters, no conflicts (2 of 4 stars). 2 submissions from 2 submitters: Uncertain significance (2). Last evaluated 2025-12-01.

Conditions:
Hypertrophic cardiomyopathy 19. Also called: Familial hypertrophic cardiomyopathy 19. Identifiers: MedGen CN077603, MONDO:0013476.

Submissions (2):

Women's Health and Genetics/Laboratory Corporation of America, LabCorp
Classification: Uncertain significance. Last evaluated: 2025-12-01. Review status: criteria provided, single submitter. Criteria: LabCorp Variant Classification Summary - May 2015. Collection method: clinical testing. Allele origin: germline.
Comment: Variant summary: CALR3 c.520_527delCTAATTTT (p.Leu174LysfsX7) results in a premature termination codon, predicted to cause a truncation of the encoded protein or absence of the protein due to nonsense mediated decay, however current evidence is not sufficient to establish loss of function as a mechanism for disease. The variant was absent in 251428 control chromosomes. The available data on variant occurrences in the general population are insufficient to allow any conclusion about variant significance. To our knowledge, no occurrence of c.520_527delCTAATTTT in individuals affected with CALR3-related conditions and no experimental evidence demonstrating its impact on protein function have been reported. ClinVar contains an entry for this variant (Variation ID: 1393524). Based on the evidence outlined above, the variant was classified as uncertain significance.

Labcorp Genetics (formerly Invitae), Labcorp
Classification: Uncertain significance for Hypertrophic cardiomyopathy 19. Last evaluated: 2022-07-26. Review status: criteria provided, single submitter. Criteria: Invitae Variant Classification Sherloc (09022015). Collection method: clinical testing. Allele origin: germline.
Comment: This variant is not present in population databases (gnomAD no frequency). This sequence change creates a premature translational stop signal (p.Leu174Lysfs*7) in the CALR3 gene. It is expected to result in an absent or disrupted protein product. However, the current clinical and genetic evidence is not sufficient to establish whether loss-of-function variants in CALR3 cause disease. This variant has not been reported in the literature in individuals affected with CALR3-related conditions. In summary, the available evidence is currently insufficient to determine the role of this variant in disease. Therefore, it has been classified as a Variant of Uncertain Significance. ClinVar contains an entry for this variant (Variation ID: 1393524).

NM_145046.5(CALR3):c.520_527del (p.Leu174fs)

Gene: CALR3 (calreticulin 3; minus strand). Cytogenetic location: 19p13.11.
Variant type: Deletion.
Coding change: c.520_527del on transcript NM_145046.5 (MANE Select); coding-DNA positions 520 to 527, 8 bases deleted (CTAATTTT; older notation c.520_527delCTAATTTT).
Protein change: p.Leu174fs; shifts the reading frame from leucine 174.
Molecular consequence: frameshift variant.
Genome position (GRCh38, 1-based): chr19:16,484,081-16,484,088, AAAATTAG deleted on the plus strand (CTAATTTT on the coding strand, the reverse complement: CALR3 is on the minus strand); deleting any 8 consecutive bases within chr19:16,484,081-16,484,089 gives the same sequence; the c. name uses the placement nearest the transcript's 3' end. VCF-style (leftmost placement, unchanged base first): chr19-16484080-TAAAATTAG-T. GRCh37 (hg19) VCF-style: chr19-16594891-TAAAATTAG-T.
Other names: c.520_527delCTAATTTT (NM_145046.5); short protein forms L174fs.
Identifiers: ClinVar variation 1393524 (VCV001393524.7), dbSNP rs2122131286, ClinGen allele CA2573156190.